The following is an entry in ClinVar:

ClinVar aggregate classification (germline): Uncertain significance. Review status: criteria provided, multiple submitters, no conflicts (2 of 4 stars). 2 submissions from 2 submitters: Uncertain significance (2). Last evaluated 2026-04-14.

Conditions:
ABCB4-related disorder. Also called: ABCB4-related disorders; ABCB4-related condition.
Familial intrahepatic cholestasis. Identifiers: Orphanet 284385, MedGen CN296401, MONDO:0017290.

Submissions (2):

Genomenon, Inc
Classification: Uncertain significance for Familial intrahepatic cholestasis. Last evaluated: 2026-04-14. Review status: criteria provided, single submitter. Criteria: Genomenon Sequence Variant Interpretation Standards - Updated. Collection method: curation. Allele origin: germline. Affected: yes.
Comment: ABCB4 p.Ala1186Thr (c.3556G>A) is a missense variant that changes the amino acid at residue 1186 from Alanine to Threonine. This variant has been observed in at least one proband with an ABCB4-related phenotype (PMID:21119540). Functional studies have been reported (PMID:27256251). It is absent or not present at a significant frequency in gnomAD. In silico models predict that this variant is possibly or probably damaging. In conclusion, we classify ABCB4 p.Ala1186Thr (c.3556G>A) as a variant of uncertain significance.

PreventionGenetics, part of Exact Sciences
Classification: Uncertain significance for ABCB4-related condition. Last evaluated: 2025-06-09. Review status: criteria provided, single submitter. Criteria: ACMG Guidelines, 2015. Collection method: clinical testing. Allele origin: germline.
Comment: The ABCB4 c.3556G>A variant is predicted to result in the amino acid substitution p.Ala1186Thr. This variant, also described as c.3577G>A, p.Ala1193Thr in NM_018849.2, has been reported in the heterozygous state in an individual with familial progressive intrahepatic cholestasis type 3 (FPIC3) who was also heterozygous for two additional ABCB4 missense variants of uncertain significance (Degiorgio et al. 2007. PubMed ID: 17726488). An in vitro functional study found that this variant led to reduced transport activity relative to wild type in transformed HEK293 cells (Park et al. 2016. PubMed ID: 27256251). This variant has not been reported in a large population database (gnomAD), indicating this variant is rare. Although we suspect that this variant may be pathogenic, the clinical significance of this variant is uncertain at this time due to the absence of conclusive functional and genetic evidence.

Literature cited by the submitters: PubMed 21119540 (cited by Genomenon, Inc); PubMed 27256251 (cited by Genomenon, Inc).

NM_000443.4(ABCB4):c.3556G>A (p.Ala1186Thr)

Gene: ABCB4 (ATP binding cassette subfamily B member 4; minus strand). Cytogenetic location: 7q21.12.
Variant type: single nucleotide variant.
Coding change: c.3556G>A on transcript NM_000443.4 (MANE Select); coding-DNA position 3556, G replaced by A.
Protein change: p.Ala1186Thr; replaces alanine 1186 with threonine.
Molecular consequence: missense variant.
Genome position (GRCh38, 1-based): chr7:87,403,212, C>T on the plus strand (G>A on the coding strand, the complement: ABCB4 is on the minus strand). VCF-style: chr7-87403212-C-T. GRCh37 (hg19) VCF-style: chr7-87032528-C-T.
Other names: c.3577G>A, p.Ala1193Thr (NM_018849.3); c.3415G>A, p.Ala1139Thr (NM_018850.3); c.3556G>A (NM_000443.3); short protein forms A1139T, A1186T, A1193T.
Identifiers: ClinVar variation 4846387 (VCV004846387.2).
Genomic context (GRCh38, chr7:87,403,212, plus strand): 5'-CCAGAGCTGATGTAGCTTCATCCAACAGGAGGATTTGAGGTTGTCTGATGAGGGCTCGGG[C>T]AATAGCAATCCTCTGTTTTTGACCTCCTGAGAGCTGAGTCCCCTTATCTCCCACTCTTGT-3'
Protein context (NP_000434.1, residues 1176-1196): SGGQKQRIAI[Ala1186Thr]RALIRQPQIL